The following is an entry in ClinVar:

NM_025179.4(PLXNA2):c.4795C>G (p.Pro1599Ala)

Gene: PLXNA2 (plexin A2; minus strand). Cytogenetic location: 1q32.2.
Variant type: single nucleotide variant.
Coding change: c.4795C>G on transcript NM_025179.4 (MANE Select); coding-DNA position 4795, C replaced by G.
Protein change: p.Pro1599Ala; replaces proline 1599 with alanine.
Molecular consequence: missense variant.
Genome position (GRCh38, 1-based): chr1:208,034,562, G>C on the plus strand (C>G on the coding strand, the complement: PLXNA2 is on the minus strand). VCF-style: chr1-208034562-G-C. GRCh37 (hg19) VCF-style: chr1-208207907-G-C.
Other names: short protein forms P1599A.
Identifiers: ClinVar variation 3356230 (VCV003356230.1).

ClinVar aggregate classification (germline): Uncertain significance (0 of 4 stars; one submission).

Conditions:
PLXNA2-related disorder. Also called: PLXNA2-related condition.

Submission:

PreventionGenetics, part of Exact Sciences
Classification: Uncertain significance for PLXNA2-related condition. Last evaluated: 2023-10-25. Review status: no assertion criteria provided. Collection method: clinical testing. Allele origin: germline.
Comment: The PLXNA2 c.4795C>G variant is predicted to result in the amino acid substitution p.Pro1599Ala. To our knowledge, this variant has not been reported in the literature or in a large population database, indicating this variant is rare. At this time, the clinical significance of this variant is uncertain due to the absence of conclusive functional and genetic evidence.